The following is an entry in ClinVar:

ClinVar aggregate classification (germline): Likely benign (1 of 4 stars; one submission).

Allele frequency attached by ClinVar (database versions not stated): gnomAD exomes below 0.00001.
gnomAD v4.1: 4 of 1,167,267 alleles (0.00034%); highest among the groups gnomAD compares: Non-Finnish European, 0.00046%; no homozygotes.

Submission:

CeGaT Center for Human Genetics Tuebingen
Classification: Likely benign. Last evaluated: 2023-01-01. Review status: criteria provided, single submitter. Criteria: CeGaT Center For Human Genetics Tuebingen Variant Classification Criteria Version 2. Collection method: clinical testing. Allele origin: germline. Affected: yes. Observed: 1 variant allele.
Comment: BCORL1: PM2:Supporting, BP4, BP7

NM_001379451.1(BCORL1):c.1065G>A (p.Val355=)

Gene: BCORL1 (BCL6 corepressor like 1; plus strand). Cytogenetic location: Xq26.1.
Variant type: single nucleotide variant.
Coding change: c.1065G>A on transcript NM_001379451.1 (MANE Select); coding-DNA position 1065, G replaced by A.
Protein change: p.Val355=; no amino-acid change (valine 355 retained).
Molecular consequence: synonymous variant.
Genome position (GRCh38, 1-based): chrX:130,013,837, G>A. VCF-style: chrX-130013837-G-A. GRCh37 (hg19) VCF-style: chrX-129147813-G-A.
Other names: c.1065G>A, p.Val355= (NM_001184772.3, NM_001379450.1, NM_021946.5).
Identifiers: ClinVar variation 2661413 (VCV002661413.24), dbSNP rs2522655490, ClinGen allele CA518832241.